The following is an entry in ClinVar:

ClinVar aggregate classification (germline): Benign/Likely benign. Review status: criteria provided, multiple submitters, no conflicts (2 of 4 stars). 2 submissions from 2 submitters: Benign (1); Likely benign (1). Last evaluated 2025-08-31.

Conditions:
Familial cancer of breast. Also called: Hereditary breast cancer; BREAST CANCER, FAMILIAL; hereditary breast carcinoma. Identifiers: Orphanet 227535, MedGen C0346153, MONDO:0016419, OMIM 114480. Disease mechanism: loss of function.
Fanconi anemia complementation group J. Also called: BRIP1-Related Fanconi Anemia. Identifiers: Orphanet 84, MedGen C1836860, MONDO:0012187, OMIM 609054.

Submissions (2):

Labcorp Genetics (formerly Invitae), Labcorp
Classification: Likely benign for Familial cancer of breast; Fanconi anemia complementation group J. Last evaluated: 2025-08-31. Review status: criteria provided, single submitter. Criteria: Invitae Variant Classification Sherloc (09022015). Collection method: clinical testing. Allele origin: germline.

Myriad Genetics, Inc.
Classification: Benign for Familial cancer of breast. Last evaluated: 2024-08-22. Review status: criteria provided, single submitter. Criteria: Myriad Autosomal Dominant, Autosomal Recessive and X-Linked Classification Criteria (2023). Collection method: clinical testing. Allele origin: unknown.
Comment: This variant is considered benign. This variant is a silent/synonymous amino acid change and it is not expected to impact splicing.

NM_032043.3(BRIP1):c.735A>G (p.Lys245=)

Gene: BRIP1 (BRCA1 interacting DNA helicase 1; minus strand). Cytogenetic location: 17q23.2.
Variant type: single nucleotide variant.
Coding change: c.735A>G on transcript NM_032043.3 (MANE Select); coding-DNA position 735, A replaced by G.
Protein change: p.Lys245=; no amino-acid change (lysine 245 retained).
Molecular consequence: synonymous variant.
Genome position (GRCh38, 1-based): chr17:61,808,650, T>C on the plus strand (A>G on the coding strand, the complement: BRIP1 is on the minus strand). VCF-style: chr17-61808650-T-C. GRCh37 (hg19) VCF-style: chr17-59886011-T-C.
Identifiers: ClinVar variation 1147042 (VCV001147042.11), dbSNP rs2145419080, ClinGen allele CA501335648.